The following is an entry in ClinVar:

NM_201253.3(CRB1):c.569G>A (p.Cys190Tyr)

Gene: CRB1 (crumbs cell polarity complex component 1; plus strand). Cytogenetic location: 1q31.3.
Variant type: single nucleotide variant.
Coding change: c.569G>A on transcript NM_201253.3 (MANE Select); coding-DNA position 569, G replaced by A.
Protein change: p.Cys190Tyr; replaces cysteine 190 with tyrosine.
Molecular consequence: missense variant. On other transcripts: non-coding transcript variant (2).
Genome position (GRCh38, 1-based): chr1:197,328,920, G>A. VCF-style: chr1-197328920-G-A. GRCh37 (hg19) VCF-style: chr1-197298050-G-A.
Other names: c.569G>A, p.Cys190Tyr (NM_001193640.2, NM_001257966.2); c.362G>A, p.Cys121Tyr (NM_001257965.2); short protein forms C121Y, C190Y.
Identifiers: ClinVar variation 4794950 (VCV004794950.1).

ClinVar aggregate classification (germline): Uncertain significance (1 of 4 stars; one submission).

Conditions:
Leber congenital amaurosis 8 (LCA8). Identifiers: Orphanet 65, MedGen C3151202, MONDO:0013453, OMIM 613835.
Retinitis pigmentosa 12 (RP12). Also called: RP WITH OR WITHOUT PPRPE; RP WITH OR WITHOUT PRESERVED PARAARTERIOLE RETINAL PIGMENT EPITHELIUM; RETINITIS PIGMENTOSA WITH OR WITHOUT PARAARTERIOLAR PRESERVATION OF RETINAL PIGMENT EPITHELIUM. Identifiers: Orphanet 791, MedGen C1838647, MONDO:0010818, OMIM 600105.

gnomAD v4.1: 1 of 1,614,224 alleles (0.000062%); highest among the groups gnomAD compares: Non-Finnish European, 0.000085%; no homozygotes.

Submission:

Labcorp Genetics (formerly Invitae), Labcorp
Classification: Uncertain significance for Leber congenital amaurosis 8; Retinitis pigmentosa 12. Last evaluated: 2025-07-09. Review status: criteria provided, single submitter. Criteria: Invitae Variant Classification Sherloc (09022015). Collection method: clinical testing. Allele origin: germline.
Comment: This sequence change replaces cysteine, which is neutral and slightly polar, with tyrosine, which is neutral and polar, at codon 190 of the CRB1 protein (p.Cys190Tyr). This variant is not present in population databases (gnomAD no frequency). This variant has not been reported in the literature in individuals affected with CRB1-related conditions. Invitae Evidence Modeling of protein sequence and biophysical properties (such as structural, functional, and spatial information, amino acid conservation, physicochemical variation, residue mobility, and thermodynamic stability) indicates that this missense variant is expected to disrupt CRB1 protein function with a positive predictive value of 95%. In summary, the available evidence is currently insufficient to determine the role of this variant in disease. Therefore, it has been classified as a Variant of Uncertain Significance.